The following is an entry in ClinVar:

ClinVar aggregate classification (germline): Pathogenic (1 of 4 stars; one submission).

Conditions:
Hereditary cancer-predisposing syndrome. Also called: Tumor predisposition; Hereditary Cancer Syndrome; Hereditary neoplastic syndrome; Neoplastic Syndromes, Hereditary. Identifiers: Orphanet 140162, MedGen C0027672, MeSH D009386, MONDO:0015356.

Submission:

Ambry Genetics
Classification: Pathogenic for Hereditary cancer-predisposing syndrome. Last evaluated: 2022-11-09. Review status: criteria provided, single submitter. Criteria: Ambry Variant Classification Scheme 2023. Collection method: clinical testing. Allele origin: germline.
Comment: The c.7312delA variant, located in coding exon 49 of the ATM gene, results from a deletion of one nucleotide at nucleotide position 7312, causing a translational frameshift with a predicted alternate stop codon (p.T2438Qfs*2). This variant is considered to be rare based on population cohorts in the Genome Aggregation Database (gnomAD). This alteration is expected to result in loss of function by premature protein truncation or nonsense-mediated mRNA decay. As such, this alteration is interpreted as a disease-causing mutation.

NM_000051.4(ATM):c.7312del (p.Thr2438fs)

Genes: ATM (ATM serine/threonine kinase; plus strand), C11orf65 (chromosome 11 open reading frame 65; minus strand). Cytogenetic location: 11q22.3.
Variant type: Deletion.
Coding change: c.7312del on transcript NM_000051.4 (MANE Select); coding-DNA position 7312, one base deleted (A; older notation c.7312delA).
Protein change: p.Thr2438fs; shifts the reading frame from threonine 2438.
Molecular consequence: frameshift variant. On other transcripts: intron variant (2).
Genome position (GRCh38, 1-based): chr11:108,330,218, A deleted. VCF-style (leftmost placement, unchanged base first): chr11-108330217-CA-C. GRCh37 (hg19) VCF-style: chr11-108200944-CA-C.
Other names: c.7312del, p.Thr2438fs (NM_001351834.2); c.641-21147del (NM_001330368.2); c.*38+5002del (NM_001351110.2); short protein forms T2438fs.
Identifiers: ClinVar variation 2453921 (VCV002453921.2), dbSNP rs2547260316, ClinGen allele CA2580083345.
Genomic context (GRCh38, chr11:108,330,217, plus strand): 5'-TTGTAGTTCTGTTAAAGTTCATGGCTTTTGTGTTTTACCTTAATTATTCTATGCAAGATA[CA>C]CAGTAAAGGTTCAGCGAGAGCTGGAGTTGGATGAATTAGCCCTGCGTGCACTGAAAGAGG-3'